The following is an entry in ClinVar:

ClinVar aggregate classification (germline): Uncertain significance (1 of 4 stars; one submission).

Conditions:
Hereditary cancer-predisposing syndrome. Also called: Neoplastic Syndromes, Hereditary; Tumor predisposition; Hereditary neoplastic syndrome; Hereditary Cancer Syndrome. Identifiers: Orphanet 140162, MedGen C0027672, MeSH D009386, MONDO:0015356.

Submission:

Ambry Genetics
Classification: Uncertain significance for Hereditary cancer-predisposing syndrome. Last evaluated: 2024-03-12. Review status: criteria provided, single submitter. Criteria: Ambry Variant Classification Scheme 2023. Collection method: clinical testing. Allele origin: germline.
Comment: The p.E130K variant (also known as c.388G>A), located in coding exon 3 of the SUFU gene, results from a G to A substitution at nucleotide position 388. The glutamic acid at codon 130 is replaced by lysine, an amino acid with similar properties. This amino acid position is conserved. In addition, this alteration is predicted to be deleterious by in silico analysis. Based on the available evidence, the clinical significance of this alteration remains unclear.

NM_016169.4(SUFU):c.388G>A (p.Glu130Lys)

Gene: SUFU (SUFU negative regulator of hedgehog signaling; plus strand). Cytogenetic location: 10q24.32.
Variant type: single nucleotide variant.
Coding change: c.388G>A on transcript NM_016169.4 (MANE Select); coding-DNA position 388, G replaced by A.
Protein change: p.Glu130Lys; replaces glutamic acid 130 with lysine.
Molecular consequence: missense variant.
Genome position (GRCh38, 1-based): chr10:102,550,040, G>A. VCF-style: chr10-102550040-G-A. GRCh37 (hg19) VCF-style: chr10-104309797-G-A.
Other names: c.388G>A, p.Glu130Lys (NM_001178133.2); short protein forms E130K.
Identifiers: ClinVar variation 3226883 (VCV003226883.1), dbSNP rs2544969461, ClinGen allele CA377903375.
Genomic context (GRCh38, chr10:102,550,040, plus strand): 5'-ACAGATGGACCTAGTGGTTTTGGCTTTGAGTTGACCTTTCGTCTGAAGAGAGAAACTGGG[G>A]AGTCTGCCCCACCAACATGGCCCGCAGAGTTAATGCAGGGCTTGGCACGATACGTGTTCC-3'
Protein context (NP_057253.2, residues 120-140): LTFRLKRETG[Glu130Lys]SAPPTWPAEL